The following is an entry in ClinVar:

NM_182914.3(SYNE2):c.15484-3T>C

Gene: SYNE2 (spectrin repeat containing nuclear envelope protein 2; plus strand). Cytogenetic location: 14q23.2.
Variant type: single nucleotide variant.
Coding change: c.15484-3T>C on transcript NM_182914.3 (MANE Select); 3 bases into the intron before coding-DNA position 15484, T replaced by C.
Molecular consequence: intron variant.
Genome position (GRCh38, 1-based): chr14:64,146,065, T>C. VCF-style: chr14-64146065-T-C. GRCh37 (hg19) VCF-style: chr14-64612783-T-C.
Other names: c.15484-3T>C (NM_015180.6).
Identifiers: ClinVar variation 864500 (VCV000864500.8), dbSNP rs370197641, ClinGen allele CA7223114.

ClinVar aggregate classification (germline): Uncertain significance. Review status: criteria provided, multiple submitters, no conflicts (2 of 4 stars). 3 submissions from 3 submitters: Uncertain significance (3). Last evaluated 2022-04-23.

Conditions:
Emery-Dreifuss muscular dystrophy 5, autosomal dominant (EDMD5). Also called: EMERY-DREIFUSS MUSCULAR DYSTROPHY 5. Identifiers: Orphanet 261, MedGen C2751805, MONDO:0013072, OMIM 612999.

Allele frequency attached by ClinVar (database versions not stated): ExAC 0.00001; gnomAD 0.00001; gnomAD exomes 0.00001; TOPMed 0.00001; ESP Exome Variant Server 0.00008.
gnomAD v4.1: 18 of 1,559,696 alleles (0.0012%); highest among the groups gnomAD compares: Non-Finnish European, 0.0015%; no homozygotes.

Submissions (3):

Labcorp Genetics (formerly Invitae), Labcorp
Classification: Uncertain significance for Emery-Dreifuss muscular dystrophy 5, autosomal dominant. Last evaluated: 2022-04-23. Review status: criteria provided, single submitter. Criteria: Invitae Variant Classification Sherloc (09022015). Collection method: clinical testing. Allele origin: germline.
Comment: This sequence change falls in intron 83 of the SYNE2 gene. It does not directly change the encoded amino acid sequence of the SYNE2 protein. It affects a nucleotide within the consensus splice site. The frequency data for this variant in the population databases is considered unreliable, as metrics indicate poor data quality at this position in the gnomAD database. This variant has not been reported in the literature in individuals affected with SYNE2-related conditions. ClinVar contains an entry for this variant (Variation ID: 864500). Variants that disrupt the consensus splice site are a relatively common cause of aberrant splicing (PMID: 17576681, 9536098). Algorithms developed to predict the effect of sequence changes on RNA splicing suggest that this variant is not likely to affect RNA splicing. In summary, the available evidence is currently insufficient to determine the role of this variant in disease. Therefore, it has been classified as a Variant of Uncertain Significance.

Revvity Omics, Revvity
Classification: Uncertain significance for Emery-Dreifuss muscular dystrophy 5, autosomal dominant. Last evaluated: 2019-05-06. Review status: criteria provided, single submitter. Criteria: ACMG Guidelines, 2015. Collection method: clinical testing. Allele origin: germline.

Breakthrough Genomics
Classification: Uncertain significance. Review status: criteria provided, single submitter. Criteria: ACMG Guidelines, 2015. Collection method: not provided. Allele origin: germline. Inheritance: Autosomal dominant inheritance. Affected: yes.

Literature cited by the submitters: PubMed 17576681 (cited by Labcorp Genetics (formerly Invitae), Labcorp); PubMed 9536098 (cited by Labcorp Genetics (formerly Invitae), Labcorp).